The following is an entry in ClinVar:

NM_000089.4(COL1A2):c.1001G>T (p.Gly334Val)

Gene: COL1A2 (collagen type I alpha 2 chain; plus strand). Cytogenetic location: 7q21.3.
Variant type: single nucleotide variant.
Coding change: c.1001G>T on transcript NM_000089.4 (MANE Select); coding-DNA position 1001, G replaced by T.
Protein change: p.Gly334Val; replaces glycine 334 with valine.
Molecular consequence: missense variant.
Genome position (GRCh38, 1-based): chr7:94,409,787, G>T. VCF-style: chr7-94409787-G-T. GRCh37 (hg19) VCF-style: chr7-94039099-G-T.
Other names: short protein forms G334V.
Identifiers: ClinVar variation 4819358 (VCV004819358.1).

ClinVar aggregate classification (germline): Pathogenic (1 of 4 stars; one submission).

Conditions:
Osteogenesis imperfecta type I (OI1). Also called: Lobstein's Disease; Lobstein disease; OI, TYPE I; OSTEOGENESIS IMPERFECTA TARDA; OSTEOGENESIS IMPERFECTA WITH BLUE SCLERAE; Osteogenesis imperfecta type 1. Identifiers: Orphanet 216796, Orphanet 666, MedGen C0023931, MONDO:0008146, OMIM 166200. Disease mechanism: loss of function.

Submission:

Clinical Biomedical Laboratory, Shriners Hospital For Children - Canada
Classification: Pathogenic for Osteogenesis imperfecta type I. Review status: criteria provided, single submitter. Criteria: ACMG Guidelines, 2015. Collection method: clinical testing. Allele origin: germline. Affected: yes.
Comment: This variant is predicted to substitute a glycine residue by a valine residue in the triple helical domain of the collagen type I alpha 2 chain. The variant is absent in the Genome Aggregation Database (gnomAD v2.1.1), indicating it is very rare. Computational tools (REVEL: 0.98) suggest that the amino acid change is damaging to protein function. Based on the ACMG variant interpretation guidelines (criteria: PM2, PM5, PP2, PP3, PP4), the available evidence supports classification of this variant as pathogenic.